The following is an entry in ClinVar:

NM_177550.5(SLC13A5):c.312C>A (p.Asn104Lys)

Gene: SLC13A5 (solute carrier family 13 member 5; minus strand). Cytogenetic location: 17p13.1.
Variant type: single nucleotide variant.
Coding change: c.312C>A on transcript NM_177550.5 (MANE Select); coding-DNA position 312, C replaced by A.
Protein change: p.Asn104Lys; replaces asparagine 104 with lysine.
Molecular consequence: missense variant.
Genome position (GRCh38, 1-based): chr17:6,706,698, G>T on the plus strand (C>A on the coding strand, the complement: SLC13A5 is on the minus strand). VCF-style: chr17-6706698-G-T. GRCh37 (hg19) VCF-style: chr17-6610017-G-T.
Other names: c.312C>A, p.Asn104Lys (NM_001143838.3, NM_001284509.2); c.183C>A, p.Asn61Lys (NM_001284510.2); short protein forms N104K, N61K.
Identifiers: ClinVar variation 1030355 (VCV001030355.6), dbSNP rs750520927, ClinGen allele CA8331781.

ClinVar aggregate classification (germline): Uncertain significance. Review status: criteria provided, multiple submitters, no conflicts (2 of 4 stars). 2 submissions from 2 submitters: Uncertain significance (2). Last evaluated 2022-05-27.

Conditions:
Developmental and epileptic encephalopathy, 25 (DEE25). Also called: Epileptic encephalopathy, early infantile, 25; Developmental and epileptic encephalopathy 25, with amelogenesis imperfecta; Epileptic encephalopathy, early infantile, 25, with amelogenesis imperfecta. Identifiers: Orphanet 442835, MedGen C4014621, MONDO:0014392, OMIM 615905.

Allele frequency attached by ClinVar (database versions not stated): gnomAD exomes below 0.00001; ExAC 0.00001.
gnomAD v4.1: 3 of 1,614,018 alleles (0.00019%); highest among the groups gnomAD compares: Middle Eastern, 0.016%; no homozygotes.

Submissions (2):

Labcorp Genetics (formerly Invitae), Labcorp
Classification: Uncertain significance for Developmental and epileptic encephalopathy, 25. Last evaluated: 2022-05-27. Review status: criteria provided, single submitter. Criteria: Invitae Variant Classification Sherloc (09022015). Collection method: clinical testing. Allele origin: germline.
Comment: In summary, the available evidence is currently insufficient to determine the role of this variant in disease. Therefore, it has been classified as a Variant of Uncertain Significance. Algorithms developed to predict the effect of missense changes on protein structure and function output the following: SIFT: "Tolerated"; PolyPhen-2: "Benign"; Align-GVGD: "Class C0". The lysine amino acid residue is found in multiple mammalian species, which suggests that this missense change does not adversely affect protein function. ClinVar contains an entry for this variant (Variation ID: 1030355). This variant has not been reported in the literature in individuals affected with SLC13A5-related conditions. This variant is present in population databases (rs750520927, gnomAD 0.0009%). This sequence change replaces asparagine, which is neutral and polar, with lysine, which is basic and polar, at codon 104 of the SLC13A5 protein (p.Asn104Lys).

Baylor Genetics
Classification: Uncertain significance for Developmental and epileptic encephalopathy, 25. Last evaluated: 2020-06-03. Review status: criteria provided, single submitter. Criteria: ACMG Guidelines, 2015. Collection method: clinical testing. Allele origin: unknown. Affected: yes.
Comment: This variant was determined to be of uncertain significance according to ACMG Guidelines, 2015 [PMID:25741868].